The following is an entry in ClinVar:

NM_018136.5(ASPM):c.2893G>A (p.Val965Ile)

Gene: ASPM (assembly factor for spindle microtubules; minus strand). Cytogenetic location: 1q31.3.
Variant type: single nucleotide variant.
Coding change: c.2893G>A on transcript NM_018136.5 (MANE Select); coding-DNA position 2893, G replaced by A.
Protein change: p.Val965Ile; replaces valine 965 with isoleucine.
Molecular consequence: missense variant.
Genome position (GRCh38, 1-based): chr1:197,128,533, C>T on the plus strand (G>A on the coding strand, the complement: ASPM is on the minus strand). VCF-style: chr1-197128533-C-T. GRCh37 (hg19) VCF-style: chr1-197097663-C-T.
Other names: c.2893G>A, p.Val965Ile (NM_001206846.2); short protein forms V965I.
Identifiers: ClinVar variation 1215896 (VCV001215896.10), dbSNP rs778251863, ClinGen allele CA1310328.
Genomic context (GRCh38, chr1:197,128,533, plus strand): 5'-CTATTTCTTATACGTACACAAGGCGCACTCCACATTGCAAGTCTACGGCAAGATTTGTAA[C>T]GGCAAAATCAAATTCATCAAATGGTGTCTGAACATGGTTAACAGGTAATCCCAATAAGCC-3'
Protein context (NP_060606.3, residues 955-975): QTPFDEFDFA[Val965Ile]TNLAVDLQCG

ClinVar aggregate classification (germline): Conflicting classifications of pathogenicity. Review status: criteria provided, conflicting classifications (1 of 4 stars). 3 submissions from 3 submitters: Uncertain significance (1); Likely benign (2). Last evaluated 2025-08-24.

Conditions:
Inborn genetic diseases. Identifiers: MedGen C0950123, MeSH D030342.

Allele frequency attached by ClinVar (database versions not stated): gnomAD 0.00001; TOPMed 0.00006; ExAC 0.00013.
gnomAD v4.1: 39 of 1,613,642 alleles (0.0024%); highest among the groups gnomAD compares: Admixed American, 0.028%; 1 homozygote.

Submissions (3):

Ambry Genetics
Classification: Likely benign for Inborn genetic diseases. Last evaluated: 2025-08-24. Review status: criteria provided, single submitter. Criteria: Ambry Variant Classification Scheme 2023. Collection method: clinical testing. Allele origin: germline.

Labcorp Genetics (formerly Invitae), Labcorp
Classification: Uncertain significance. Last evaluated: 2021-11-02. Review status: criteria provided, single submitter. Criteria: Invitae Variant Classification Sherloc (09022015). Collection method: clinical testing. Allele origin: germline.
Comment: This sequence change replaces valine, which is neutral and non-polar, with isoleucine, which is neutral and non-polar, at codon 965 of the ASPM protein (p.Val965Ile). This variant is present in population databases (rs778251863, gnomAD 0.04%). This variant has not been reported in the literature in individuals affected with ASPM-related conditions. Algorithms developed to predict the effect of missense changes on protein structure and function output the following: SIFT: "Tolerated"; PolyPhen-2: "Possibly Damaging"; Align-GVGD: "Class C0". The isoleucine amino acid residue is found in multiple mammalian species, which suggests that this missense change does not adversely affect protein function. In summary, the available evidence is currently insufficient to determine the role of this variant in disease. Therefore, it has been classified as a Variant of Uncertain Significance.

GeneDx
Classification: Likely benign. Last evaluated: 2018-09-26. Review status: criteria provided, single submitter. Criteria: GeneDx Variant Classification Process June 2021. Collection method: clinical testing. Allele origin: germline. Affected: yes.